The following is an entry in ClinVar:

ClinVar aggregate classification (germline): Uncertain significance (1 of 4 stars; one submission).

Conditions:
Inborn genetic diseases. Identifiers: MedGen C0950123, MeSH D030342.

Submission:

Ambry Genetics
Classification: Uncertain significance for Inborn genetic diseases. Last evaluated: 2025-12-22. Review status: criteria provided, single submitter. Criteria: Ambry Variant Classification Scheme 2023. Collection method: clinical testing. Allele origin: germline.
Comment: The p.F106L variant (also known as c.318T>A), located in coding exon 2 of the ERCC6L2 gene, results from a T to A substitution at nucleotide position 318. The phenylalanine at codon 106 is replaced by leucine, an amino acid with highly similar properties. This amino acid position is conserved. In addition, the in silico prediction for this alteration is inconclusive. Based on the available evidence, the clinical significance of this variant remains unclear.

NM_020207.7(ERCC6L2):c.318T>A (p.Phe106Leu)

Gene: ERCC6L2 (ERCC excision repair 6 like 2; plus strand). Cytogenetic location: 9q22.32.
Variant type: single nucleotide variant.
Coding change: c.318T>A on transcript NM_020207.7 (MANE Select); coding-DNA position 318, T replaced by A.
Protein change: p.Phe106Leu; replaces phenylalanine 106 with leucine.
Molecular consequence: missense variant. On other transcripts: non-coding transcript variant (1).
Genome position (GRCh38, 1-based): chr9:95,881,140, T>A. VCF-style: chr9-95881140-T-A. GRCh37 (hg19) VCF-style: chr9-98643422-T-A.
Other names: c.318T>A, p.Phe106Leu (NM_001375291.1, NM_001010895.4, NM_001375292.1 and 2 more transcripts); short protein forms F106L.
Identifiers: ClinVar variation 4844042 (VCV004844042.1).